The following is an entry in ClinVar:

NM_005633.4(SOS1):c.3412A>C (p.Ile1138Leu)

Gene: SOS1 (SOS Ras/Rac guanine nucleotide exchange factor 1; minus strand). Cytogenetic location: 2p22.1.
Variant type: single nucleotide variant.
Coding change: c.3412A>C on transcript NM_005633.4 (MANE Select); coding-DNA position 3412, A replaced by C.
Protein change: p.Ile1138Leu; replaces isoleucine 1138 with leucine.
Molecular consequence: missense variant.
Genome position (GRCh38, 1-based): chr2:38,987,571, T>G on the plus strand (A>C on the coding strand, the complement: SOS1 is on the minus strand). VCF-style: chr2-38987571-T-G. GRCh37 (hg19) VCF-style: chr2-39214712-T-G.
Other names: c.3391A>C, p.Ile1131Leu (NM_001382394.1); c.3367A>C, p.Ile1123Leu (NM_001382395.1); short protein forms I1123L, I1131L, I1138L.
Identifiers: ClinVar variation 1348554 (VCV001348554.12), dbSNP rs56248239, ClinGen allele CA45641507.

ClinVar aggregate classification (germline): Uncertain significance. Review status: criteria provided, multiple submitters, no conflicts (2 of 4 stars). 3 submissions from 3 submitters: Uncertain significance (3). Last evaluated 2025-06-12.

Conditions:
RASopathy. Also called: Noonan spectrum disorder; rasopathies. Identifiers: Orphanet 536391, MedGen C5555857, MONDO:0021060.

gnomAD v4.1: 2 of 1,573,502 alleles (0.00013%); highest among the groups gnomAD compares: Non-Finnish European, 0.000087%; no homozygotes.

Submissions (3):

Labcorp Genetics (formerly Invitae), Labcorp
Classification: Uncertain significance for RASopathy. Last evaluated: 2025-06-12. Review status: criteria provided, single submitter. Criteria: Invitae Variant Classification Sherloc (09022015). Collection method: clinical testing. Allele origin: germline.
Comment: This sequence change replaces isoleucine, which is neutral and non-polar, with leucine, which is neutral and non-polar, at codon 1138 of the SOS1 protein (p.Ile1138Leu). This variant is not present in population databases (gnomAD no frequency). This variant has not been reported in the literature in individuals affected with SOS1-related conditions. ClinVar contains an entry for this variant (Variation ID: 1348554). Invitae Evidence Modeling of protein sequence and biophysical properties (such as structural, functional, and spatial information, amino acid conservation, physicochemical variation, residue mobility, and thermodynamic stability) indicates that this missense variant is not expected to disrupt SOS1 protein function with a negative predictive value of 95%. In summary, the available evidence is currently insufficient to determine the role of this variant in disease. Therefore, it has been classified as a Variant of Uncertain Significance.

Dasa
Classification: Uncertain significance. Last evaluated: 2025-06-07. Review status: criteria provided, single submitter. Criteria: DASA Assertion Criteria. Collection method: clinical testing. Allele origin: germline.
Comment: NM_005633.4(SOS1):c.3412A>C (p.Ile1138Leu) is a missense variant that results in the substitution of isoleucine with leucine. This variant is rare in population databases. Computational prediction algorithms are consistent with a benign effect. The currently available literature and clinical evidence are not sufficient to establish a definitive association between this variant and the reported condition. Therefore, this variant is classified as a variant of uncertain significance.

Women's Health and Genetics/Laboratory Corporation of America, LabCorp
Classification: Uncertain significance. Last evaluated: 2024-11-29. Review status: criteria provided, single submitter. Criteria: LabCorp Variant Classification Summary - May 2015. Collection method: clinical testing. Allele origin: germline.